The following is an entry in ClinVar:

NM_147127.5(EVC2):c.3397A>C (p.Met1133Leu)

Gene: EVC2 (EvC ciliary complex subunit 2; minus strand). Cytogenetic location: 4p16.2.
Variant type: single nucleotide variant.
Coding change: c.3397A>C on transcript NM_147127.5 (MANE Select); coding-DNA position 3397, A replaced by C.
Protein change: p.Met1133Leu; replaces methionine 1133 with leucine.
Molecular consequence: missense variant.
Genome position (GRCh38, 1-based): chr4:5,568,604, T>G on the plus strand (A>C on the coding strand, the complement: EVC2 is on the minus strand). VCF-style: chr4-5568604-T-G. GRCh37 (hg19) VCF-style: chr4-5570331-T-G.
Other names: c.3157A>C, p.Met1053Leu (NM_001166136.2); short protein forms M1053L, M1133L.
Identifiers: ClinVar variation 2949516 (VCV002949516.3), dbSNP rs1284197690, ClinGen allele CA356149830.
Genomic context (GRCh38, chr4:5,568,604, plus strand): 5'-GCTGTGAGGCTGTGGGCAGTACCACACTCAGGAGCCGGCGAAGCGTGGCCCCGGGCACCA[T>G]GGCCATCCTCGCCAGGTACGATGCCAGTCTCAGCTCCTACAGGAAACAACAGAGGGAGTT-3'
Protein context (NP_667338.3, residues 1123-1143): RLASYLARMA[Met1133Leu]VPGATLRRLL

ClinVar aggregate classification (germline): Uncertain significance (1 of 4 stars; one submission).

Conditions:
Curry-Hall syndrome (WAD). Also called: WEYERS ACRODENTAL DYSOSTOSIS. Identifiers: Orphanet 952, MedGen C0457013, MONDO:0008673, OMIM 193530.
Ellis-van Creveld syndrome (EVC). Also called: EVC-Related Ellis-van Creveld Syndrome; EVC2-Related Ellis-van Creveld Syndrome; MESOECTODERMAL DYSPLASIA; Chondroectodermal dysplasia. Identifiers: Orphanet 289, MedGen C0013903, MONDO:0009162, OMIM 225500.

Submission:

Labcorp Genetics (formerly Invitae), Labcorp
Classification: Uncertain significance for Curry-Hall syndrome; Ellis-van Creveld syndrome. Last evaluated: 2023-07-03. Review status: criteria provided, single submitter. Criteria: Invitae Variant Classification Sherloc (09022015). Collection method: clinical testing. Allele origin: germline.
Comment: This variant is not present in population databases (gnomAD no frequency). This sequence change replaces methionine, which is neutral and non-polar, with leucine, which is neutral and non-polar, at codon 1133 of the EVC2 protein (p.Met1133Leu). This variant has not been reported in the literature in individuals affected with EVC2-related conditions. In summary, the available evidence is currently insufficient to determine the role of this variant in disease. Therefore, it has been classified as a Variant of Uncertain Significance. An algorithm developed to predict the effect of missense changes on protein structure and function (PolyPhen-2) suggests that this variant is likely to be tolerated.